The following is an entry in ClinVar:

NM_024665.7(TBL1XR1):c.44dup (p.Tyr15Ter)

Gene: TBL1XR1 (TBL1X/Y related 1; minus strand). Cytogenetic location: 3q26.32.
Variant type: Duplication.
Coding change: c.44dup on transcript NM_024665.7 (MANE Select); coding-DNA position 44, one base duplicated (A; older notation c.44dupA).
Protein change: p.Tyr15Ter; replaces tyrosine 15 with a stop codon.
Molecular consequence: nonsense. On other transcripts: intron variant (2).
Genome position (GRCh38, 1-based): chr3:177,064,934, T duplicated on the plus strand (A on the coding strand, the reverse complement: TBL1XR1 is on the minus strand). VCF-style (leftmost placement, unchanged base first): chr3-177064933-G-GT. GRCh37 (hg19) VCF-style: chr3-176782721-G-GT.
Other names: c.44dup, p.Tyr15Ter (NM_001321193.3, NM_001321194.3, NM_001374327.1 and 2 more transcripts); c.-203-11016dup (NM_001374330.1, NM_001321195.3); short protein forms Y15*.
Identifiers: ClinVar variation 4879204 (VCV004879204.1).

ClinVar aggregate classification (germline): Likely pathogenic (1 of 4 stars; one submission).

Conditions:
Intellectual developmental disorder, autosomal dominant 41. Also called: Intellectual disability, autosomal dominant 41. Identifiers: Orphanet 2823, MedGen C4310784, MONDO:0014842, OMIM 616944.

Submission:

Clinical Genomics Laboratory, Washington University in St. Louis
Classification: Likely pathogenic for Intellectual developmental disorder, autosomal dominant 41. Last evaluated: 2026-01-02. Review status: criteria provided, single submitter. Criteria: ACMG Guidelines, 2015. Collection method: clinical testing. Allele origin: germline. Affected: yes.
Comment: The TBL1XR1 c.44dup (p.Tyr15*) variant has not been reported in the medical literature and is absent from the general population (gnomAD v2.1.1), indicating it is not a common variant. This variant causes a frameshift by duplicating a single nucleotide, leading to a premature termination codon, which is predicted to lead to nonsense mediated decay. Other variants that introduce a premature termination codon in this region have been described in affected individuals and have been reported in the literature as deleterious (Quan Y et al., PMID: 32524419). Based on available information and the ACMG/AMP guidelines for variant interpretation (Richards S et al., PMID: 25741868), this variant is classified as likely pathogenic.